The following is an entry in ClinVar:

ClinVar aggregate classification (germline): Uncertain significance (1 of 4 stars; one submission).

Conditions:
Inborn genetic diseases. Identifiers: MedGen C0950123, MeSH D030342.

Submission:

Ambry Genetics
Classification: Uncertain significance for Inborn genetic diseases. Last evaluated: 2026-02-16. Review status: criteria provided, single submitter. Criteria: Ambry Variant Classification Scheme 2023. Collection method: clinical testing. Allele origin: germline.
Comment: The p.K343N variant (also known as c.1029G>C), located in coding exon 8 of the DNMT3A gene, results from a G to C substitution at nucleotide position 1029. The lysine at codon 343 is replaced by asparagine, an amino acid with similar properties. This amino acid position is conserved. In addition, this alteration is predicted to be tolerated by in silico analysis. Based on the available evidence, the clinical significance of this variant remains unclear.

NM_022552.5(DNMT3A):c.1029G>C (p.Lys343Asn)

Gene: DNMT3A (DNA methyltransferase 3 alpha; minus strand). Cytogenetic location: 2p23.3.
Variant type: single nucleotide variant.
Coding change: c.1029G>C on transcript NM_022552.5 (MANE Select); coding-DNA position 1029, G replaced by C.
Protein change: p.Lys343Asn; replaces lysine 343 with asparagine.
Molecular consequence: missense variant. On other transcripts: non-coding transcript variant (1).
Genome position (GRCh38, 1-based): chr2:25,247,144, C>G on the plus strand (G>C on the coding strand, the complement: DNMT3A is on the minus strand). VCF-style: chr2-25247144-C-G. GRCh37 (hg19) VCF-style: chr2-25470013-C-G.
Other names: c.573G>C, p.Lys191Asn (NM_001320893.1); c.360G>C, p.Lys120Asn (NM_001375819.1); c.462G>C, p.Lys154Asn (NM_153759.3); c.1029G>C, p.Lys343Asn (NM_175629.2); short protein forms K191N, K120N, K154N, K343N.
Identifiers: ClinVar variation 4825631 (VCV004825631.1).